The following is an entry in ClinVar:

ClinVar aggregate classification (germline): Uncertain significance (1 of 4 stars; one submission).

Conditions:
Cardiovascular phenotype. Identifiers: MedGen CN230736.

Allele frequency attached by ClinVar (database versions not stated): gnomAD exomes below 0.00001; gnomAD 0.00002.
gnomAD v4.1: 3 of 1,208,837 alleles (0.00025%); highest among the groups gnomAD compares: East Asian, 0.0059%; no homozygotes.

Submission:

Ambry Genetics
Classification: Uncertain significance for Cardiovascular phenotype. Last evaluated: 2022-11-28. Review status: criteria provided, single submitter. Criteria: Ambry Variant Classification Scheme 2023. Collection method: clinical testing. Allele origin: germline.
Comment: The p.D1732Y variant (also known as c.5194G>T), located in coding exon 37 of the DMD gene, results from a G to T substitution at nucleotide position 5194. The aspartic acid at codon 1732 is replaced by tyrosine, an amino acid with highly dissimilar properties. Based on data from gnomAD, the T allele has an overall frequency of 0.0046% (1/21868) total alleles studied, with 0 hemizygote(s) observed. The highest observed frequency was 0.0992% (1/1008) of East Asian alleles. This amino acid position is well conserved in available vertebrate species. In addition, this alteration is predicted to be tolerated by in silico analysis. Since supporting evidence is limited at this time, the clinical significance of this alteration remains unclear.

NM_004006.3(DMD):c.5194G>T (p.Asp1732Tyr)

Gene: DMD (dystrophin; minus strand). Cytogenetic location: Xp21.1.
Variant type: single nucleotide variant.
Coding change: c.5194G>T on transcript NM_004006.3 (MANE Select); coding-DNA position 5194, G replaced by T.
Protein change: p.Asp1732Tyr; replaces aspartic acid 1732 with tyrosine.
Molecular consequence: missense variant.
Genome position (GRCh38, 1-based): chrX:32,362,919, C>A on the plus strand (G>T on the coding strand, the complement: DMD is on the minus strand). VCF-style: chrX-32362919-C-A. GRCh37 (hg19) VCF-style: chrX-32381036-C-A.
Other names: c.5170G>T, p.Asp1724Tyr (NM_000109.4); c.5182G>T, p.Asp1728Tyr (NM_004009.3); c.4825G>T, p.Asp1609Tyr (NM_004010.3); c.1171G>T, p.Asp391Tyr (NM_004011.4); c.1162G>T, p.Asp388Tyr (NM_004012.4); short protein forms D388Y, D1732Y, D1724Y, D1728Y, D391Y, D1609Y.
Identifiers: ClinVar variation 2450339 (VCV002450339.2), dbSNP rs1174588427, ClinGen allele CA412671312.
Genomic context (GRCh38, chrX:32,362,919, plus strand): 5'-ATTTCCTGCAGTGGTCACCGCGGTTTGCCATCAAGTTTGCTGCTTGGTCACGTGTAGAGT[C>A]CACCTTTGGGCGTATGTCATTCAGTTCTGCCTTTAAACGCTATATTCCATGAGCAAGAGA-3'
Protein context (NP_003997.2, residues 1722-1742): AELNDIRPKV[Asp1732Tyr]STRDQAANLM